The following is an entry in ClinVar:

ClinVar aggregate classification (germline): Pathogenic/Likely pathogenic. Review status: criteria provided, multiple submitters, no conflicts (2 of 4 stars). 4 submissions from 4 submitters: Pathogenic (2); Likely pathogenic (1). 1 of the submissions does not count toward it. Last evaluated 2025-08-27.

Conditions:
Epidermolysis bullosa simplex with nail dystrophy (EBS5D). Identifiers: MedGen C4225309, MONDO:0014661, OMIM 616487.
Epidermolysis bullosa simplex 5C, with pyloric atresia (EBS5C). Also called: PLEC-Related Epidermolysis Bullosa with Pyloric Atresia; Epidermolysis bullosa simplex with pyloric atresia; PLEC1-Related Epidermolysis Bullosa with Pyloric Atresia. Identifiers: Orphanet 158684, MedGen C2677349, MONDO:0012807, OMIM 612138.

Allele frequency attached by ClinVar (database versions not stated): TOPMed 0.00002; ESP Exome Variant Server 0.00016.

Submissions (4):

GeneDx
Classification: Likely pathogenic. Last evaluated: 2025-08-27. Review status: criteria provided, single submitter. Criteria: GeneDx Variant Classification Process June 2021. Collection method: clinical testing. Allele origin: germline. Affected: yes.
Comment: Deletion involving a transcript of a gene for which loss of function is not a known mechanism of disease; Not observed at significant frequency in large population cohorts (gnomAD); Reported using an alternate transcript of the gene; This variant is associated with the following publications: (PMID: 33874732, 25712130)

CeGaT Center for Human Genetics Tuebingen
Classification: Pathogenic. Last evaluated: 2018-11-01. Review status: criteria provided, single submitter. Criteria: CeGaT Center For Human Genetics Tuebingen Variant Classification Criteria Version 2. Collection method: clinical testing. Allele origin: germline. Affected: yes. Observed: 3 variant alleles.

Neuberg Centre For Genomic Medicine, NCGM
Classification: Pathogenic for Epidermolysis bullosa simplex 5C, with pyloric atresia. Review status: criteria provided, single submitter. Criteria: ACMG Guidelines, 2015. Collection method: clinical testing. Allele origin: germline. Inheritance: Autosomal recessive inheritance. Affected: yes.
Comment: The stop gained PLEC c.46C>T variant has been reported in individuals affected with Epidermolysis bullosa simplex with pyloric atresia (Zrelski et al, 2021; Gostyńska et. al., 2015). Functional studies related to this variant have showed the expression of plectin isoforms (Gostyńska et. al., 2015; Castañón et. al., 2021). The c.46C>T variant is novel (not in any individuals) in 1000 Genomes and has allele frequency of 0.0008% in gnomAD database. This variant has been reported to the ClinVar database as Pathogenic. This variant is predicted to cause loss of normal protein function through protein truncation. Loss of function variants have been previously reported to be disease causing. For these reasons, this variant has been classified as Pathogenic

OMIM
Classification: Pathogenic for EPIDERMOLYSIS BULLOSA SIMPLEX 5D, GENERALIZED INTERMEDIATE, AUTOSOMAL RECESSIVE. Last evaluated: 2015-06-01. Review status: no assertion criteria provided. Collection method: literature only. Allele origin: germline. Not counted in ClinVar's aggregate classification.

Literature cited by the submitters: PubMed 25712130 (cited by OMIM).

NM_201384.3(PLEC):c.46C>T (p.Arg16Ter)

Genes: PLEC (plectin; minus strand), LOC130001338 (ATAC-STARR-seq lymphoblastoid active region 28078; plus strand). Cytogenetic location: 8q24.3.
Variant type: single nucleotide variant.
Coding change: c.46C>T on transcript NM_201384.3 (MANE Select); coding-DNA position 46, C replaced by T.
Protein change: p.Arg16Ter; replaces arginine 16 with a stop codon.
Molecular consequence: nonsense. On other transcripts: intron variant (7).
Genome position (GRCh38, 1-based): chr8:143,939,416, G>A on the plus strand (C>T on the coding strand, the complement: PLEC is on the minus strand). VCF-style: chr8-143939416-G-A. GRCh37 (hg19) VCF-style: chr8-145013584-G-A.
Other names: c.194-724C>T (NM_000445.5); c.71-724C>T (NM_201378.4); c.47-724C>T (NM_201379.3); c.524-724C>T (NM_201380.4); c.17-724C>T (NM_201381.3); c.113-724C>T (NM_201382.4); c.125-724C>T (NM_201383.3); short protein forms R16*.
Identifiers: ClinVar variation 204402 (VCV000204402.46), dbSNP rs374419983, ClinGen allele CA249859.